The following is an entry in ClinVar:

NM_001142800.2(EYS):c.2992+12T>A

Gene: EYS (EGF-like photoreceptor maintenance factor; minus strand). Cytogenetic location: 6q12.
Variant type: single nucleotide variant.
Coding change: c.2992+12T>A on transcript NM_001142800.2 (MANE Select); 12 bases into the intron after coding-DNA position 2992, T replaced by A.
Molecular consequence: intron variant.
Genome position (GRCh38, 1-based): chr6:64,886,685, A>T on the plus strand (T>A on the coding strand, the complement: EYS is on the minus strand). VCF-style: chr6-64886685-A-T. GRCh37 (hg19) VCF-style: chr6-65596578-A-T.
Other names: c.2992+12T>A (NM_001292009.2).
Identifiers: ClinVar variation 420234 (VCV000420234.10), dbSNP rs1064794365, ClinGen allele CA16618299.
Genomic context (GRCh38, chr6:64,886,685, plus strand): 5'-GTATAAATATGAGGTTTCTATTTGCTTGCAGACAGAAATATGTTGCTGCACATGGGACAG[A>T]TATGGATTTACCTGTATAACCAGGGGCACAGAGGCAGTTGTATCCATCAGTCCTGTAGAC-3'

ClinVar aggregate classification (germline): Likely benign. Review status: criteria provided, multiple submitters, no conflicts (2 of 4 stars). 3 submissions from 3 submitters: Likely benign (3). Last evaluated 2023-09-13.

Allele frequency attached by ClinVar (database versions not stated): gnomAD 0.00001; gnomAD exomes 0.00001; TOPMed 0.00002.
gnomAD v4.1: 8 of 1,538,274 alleles (0.00052%); highest among the groups gnomAD compares: Non-Finnish European, 0.0007%; no homozygotes.

Submissions (3):

Blueprint Genetics
Classification: Likely benign. Last evaluated: 2023-09-13. Review status: criteria provided, single submitter. Criteria: ACMG Guidelines, 2015. Collection method: clinical testing. Allele origin: germline.

Labcorp Genetics (formerly Invitae), Labcorp
Classification: Likely benign. Last evaluated: 2023-06-30. Review status: criteria provided, single submitter. Criteria: Invitae Variant Classification Sherloc (09022015). Collection method: clinical testing. Allele origin: germline.

GeneDx
Classification: Likely benign. Last evaluated: 2015-12-22. Review status: criteria provided, single submitter. Criteria: GeneDx Variant Classification (06012015). Collection method: clinical testing. Allele origin: germline. Affected: yes.
Comment: This variant is considered likely benign or benign based on one or more of the following criteria: it is a conservative change, it occurs at a poorly conserved position in the protein, it is predicted to be benign by multiple in silico algorithms, and/or has population frequency not consistent with disease.